The following is an entry in ClinVar:

ClinVar aggregate classification (germline): Uncertain significance (1 of 4 stars; one submission).

Submission:

Labcorp Genetics (formerly Invitae), Labcorp
Classification: Uncertain significance. Last evaluated: 2024-10-08. Review status: criteria provided, single submitter. Criteria: Invitae Variant Classification Sherloc (09022015). Collection method: clinical testing. Allele origin: germline.
Comment: This sequence change replaces proline, which is neutral and non-polar, with serine, which is neutral and polar, at codon 278 of the KLF10 protein (p.Pro278Ser). This variant is present in population databases (no rsID available, gnomAD 0.008%). This variant has not been reported in the literature in individuals affected with KLF10-related conditions. An algorithm developed to predict the effect of missense changes on protein structure and function (PolyPhen-2) suggests that this variant is likely to be tolerated. In summary, the available evidence is currently insufficient to determine the role of this variant in disease. Therefore, it has been classified as a Variant of Uncertain Significance.

NM_005655.4(KLF10):c.832C>T (p.Pro278Ser)

Gene: KLF10 (KLF transcription factor 10; minus strand). Cytogenetic location: 8q22.3.
Variant type: single nucleotide variant.
Coding change: c.832C>T on transcript NM_005655.4 (MANE Select); coding-DNA position 832, C replaced by T.
Protein change: p.Pro278Ser; replaces proline 278 with serine.
Molecular consequence: missense variant.
Genome position (GRCh38, 1-based): chr8:102,651,500, G>A on the plus strand (C>T on the coding strand, the complement: KLF10 is on the minus strand). VCF-style: chr8-102651500-G-A. GRCh37 (hg19) VCF-style: chr8-103663728-G-A.
Other names: c.799C>T, p.Pro267Ser (NM_001032282.4); short protein forms P267S, P278S.
Identifiers: ClinVar variation 3668594 (VCV003668594.2).